The following is an entry in ClinVar:

ClinVar aggregate classification (germline): Pathogenic/Likely pathogenic. Review status: criteria provided, multiple submitters, no conflicts (2 of 4 stars). 8 submissions from 8 submitters: Pathogenic (5); Likely pathogenic (1). 2 of the submissions do not count toward it. Last evaluated 2026-09-08.

Conditions:
Inborn genetic diseases. Identifiers: MedGen C0950123, MeSH D030342.
EFTUD2-related disorders.
Mandibulofacial dysostosis-microcephaly syndrome (MFDGA). Also called: Growth and mental retardation, mandibulofacial dysostosis, microcephaly, and cleft palate; Mandibulofacial dysostosis, Guion-Almeida type. Identifiers: Orphanet 79113, MedGen C1864652, MONDO:0012516, OMIM 610536.

Submissions (8):

GeneDx
Classification: Pathogenic. Last evaluated: 2026-09-08. Review status: criteria provided, single submitter. Criteria: GeneDx Variant Classification Process June 2021. Collection method: clinical testing. Allele origin: germline.
Comment: Reported as a de novo variant in published literature; however, detailed clinical information was not provided (PMID: 37236975); Nonsense variant predicted to result in protein truncation or nonsense mediated decay in a gene for which loss of function is a known mechanism of disease; Not observed at significant frequency in large population cohorts (gnomAD); This variant is associated with the following publications: (PMID: 37236975)

Ambry Genetics
Classification: Pathogenic for Inborn genetic diseases. Last evaluated: 2024-09-12. Review status: criteria provided, single submitter. Criteria: Ambry Variant Classification Scheme 2023. Collection method: clinical testing. Allele origin: germline.
Comment: The c.1060C>T (p.R354*) alteration, located in exon 13 (coding exon 12) of the EFTUD2 gene, consists of a C to T substitution at nucleotide position 1060. This changes the amino acid from an arginine (R) to a stop codon at amino acid position 354. This alteration is expected to result in loss of function by premature protein truncation or nonsense-mediated mRNA decay. This variant was not reported in population-based cohorts in the Genome Aggregation Database (gnomAD). This variant has been determined to be the result of a de novo mutation in one individual in a cohort of pediatric and prenatal patients suspected to have a genetic disorder with multiple congenital anomalies and/or neurocognitive disabilities (Slavotinek, 2023). Based on the available evidence, this alteration is classified as pathogenic.

Institute of Human Genetics, University of Leipzig Medical Center
Classification: Pathogenic for Mandibulofacial dysostosis-microcephaly syndrome. Last evaluated: 2022-11-23. Review status: criteria provided, single submitter. Criteria: ACMG Guidelines, 2015. Collection method: clinical testing. Allele origin: unknown. Affected: yes.
Comment: _x000D_ Criteria applied: PVS1, PS2_MOD, PS4_MOD, PM2_SUP

Laboratorio de Genetica e Diagnostico Molecular, Hospital Israelita Albert Einstein
Classification: Pathogenic. Last evaluated: 2021-09-15. Review status: criteria provided, single submitter. Criteria: ACMG Guidelines, 2015. Collection method: clinical testing. Allele origin: germline. Affected: yes.
Comment: ACMG classification criteria: PVS1, PS4, PM2

Genomic Medicine Lab, University of California San Francisco
Classification: Pathogenic for Mandibulofacial dysostosis-microcephaly syndrome. Last evaluated: 2020-01-09. Review status: criteria provided, single submitter. Criteria: ACMG Guidelines, 2015. Collection method: clinical testing. Allele origin: de novo. Inheritance: Autosomal dominant inheritance. Affected: yes. Study: CSER-P3EGS.

Blueprint Genetics
Classification: Likely pathogenic for EFTUD2-related disorders. Last evaluated: 2019-02-12. Review status: criteria provided, single submitter. Criteria: ACMG Guidelines, 2015. Collection method: clinical testing. Allele origin: germline. Affected: yes. Observed: 1 variant allele.

Joint Genome Diagnostic Labs from Nijmegen and Maastricht, Radboudumc and MUMC+
Classification: Pathogenic. Review status: no assertion criteria provided. Collection method: clinical testing. Allele origin: germline. Affected: yes. Study: VKGL Data-share Consensus. Not counted in ClinVar's aggregate classification.

Laboratory of Diagnostic Genome Analysis, Leiden University Medical Center (LUMC)
Classification: Likely pathogenic. Review status: no assertion criteria provided. Collection method: clinical testing. Allele origin: germline. Affected: yes. Study: VKGL Data-share Consensus. Not counted in ClinVar's aggregate classification.

Literature cited by the submitters: PubMed 37236975 (cited by Ambry Genetics).

NM_004247.4(EFTUD2):c.1060C>T (p.Arg354Ter)

Gene: EFTUD2 (elongation factor Tu GTP binding domain containing 2; minus strand). Cytogenetic location: 17q21.31.
Variant type: single nucleotide variant.
Coding change: c.1060C>T on transcript NM_004247.4 (MANE Select); coding-DNA position 1060, C replaced by T.
Protein change: p.Arg354Ter; replaces arginine 354 with a stop codon.
Molecular consequence: nonsense.
Genome position (GRCh38, 1-based): chr17:44,867,896, G>A on the plus strand (C>T on the coding strand, the complement: EFTUD2 is on the minus strand). VCF-style: chr17-44867896-G-A. GRCh37 (hg19) VCF-style: chr17-42945264-G-A.
Other names: c.955C>T, p.Arg319Ter (NM_001142605.2); c.1060C>T, p.Arg354Ter (NM_001258353.2); c.1030C>T, p.Arg344Ter (NM_001258354.2); short protein forms R354*, R319*, R344*.
Identifiers: ClinVar variation 620475 (VCV000620475.15), dbSNP rs996949678, ClinGen allele CA399816177.